The following is an entry in ClinVar:

ClinVar aggregate classification (germline): Uncertain significance (1 of 4 stars; one submission).

Submission:

GeneDx
Classification: Uncertain significance. Last evaluated: 2025-08-06. Review status: criteria provided, single submitter. Criteria: GeneDx Variant Classification Process June 2021. Collection method: clinical testing. Allele origin: germline. Affected: yes.
Comment: Not observed at significant frequency in large population cohorts (gnomAD); In silico analysis supports that this missense variant has a deleterious effect on protein structure/function; Has not been previously published as pathogenic or benign to our knowledge

NM_197968.4(ZMYM2):c.3565G>T (p.Asp1189Tyr)

Gene: ZMYM2 (zinc finger MYM-type containing 2; plus strand). Cytogenetic location: 13q12.11.
Variant type: single nucleotide variant.
Coding change: c.3565G>T on transcript NM_197968.4 (MANE Select); coding-DNA position 3565, G replaced by T.
Protein change: p.Asp1189Tyr; replaces aspartic acid 1189 with tyrosine.
Molecular consequence: missense variant. On other transcripts: non-coding transcript variant (1).
Genome position (GRCh38, 1-based): chr13:20,082,127, G>T. VCF-style: chr13-20082127-G-T. GRCh37 (hg19) VCF-style: chr13-20656267-G-T.
Other names: c.3565G>T, p.Asp1189Tyr (NM_001190964.4, NM_001190965.4, NM_001353157.2 and 4 more transcripts); c.3370G>T, p.Asp1124Tyr (NM_001353161.3); c.3304G>T, p.Asp1102Tyr (NM_001353163.2); short protein forms D1102Y, D1124Y, D1189Y.
Identifiers: ClinVar variation 4755631 (VCV004755631.1).